The following is an entry in ClinVar:

NM_001613.4(ACTA2):c.766C>T (p.Arg256Cys)

Genes: ACTA2 (actin alpha 2, smooth muscle; minus strand), ACTA2-AS1 (ACTA2 antisense RNA 1; plus strand). Cytogenetic location: 10q23.31.
Variant type: single nucleotide variant.
Coding change: c.766C>T on transcript NM_001613.4 (MANE Select); coding-DNA position 766, C replaced by T.
Protein change: p.Arg256Cys; replaces arginine 256 with cysteine.
Molecular consequence: missense variant. On other transcripts: non-coding transcript variant (1).
Genome position (GRCh38, 1-based): chr10:88,939,549, G>A on the plus strand (C>T on the coding strand, the complement: ACTA2 is on the minus strand). VCF-style: chr10-88939549-G-A. GRCh37 (hg19) VCF-style: chr10-90699306-G-A.
Other names: c.766C>T, p.Arg256Cys (NM_001141945.3, NM_001320855.2, NM_001406462.1 and 2 more transcripts); c.655C>T, p.Arg219Cys (NM_001406466.1); c.637C>T, p.Arg213Cys (NM_001406467.1, NM_001406468.1, NM_001406469.1); short protein forms R256C, R219C, R213C.
Identifiers: ClinVar variation 263578 (VCV000263578.25), dbSNP rs886038852, ClinGen allele CA10587710.
Genomic context (GRCh38, chr10:88,939,549, plus strand): 5'-AGGGCGTTTGTTGCCTACCGATGAAGGATGGCTGGAACAGGGTCTCTGGGCAGCGGAAAC[G>A]TTCATTTCCGATGGTGATCACTTGCCCATCAGGCAACTCGTAACTCTTCTCAAGGGAGGA-3'
Protein context (NP_001604.1, residues 246-266): DGQVITIGNE[Arg256Cys]FRCPETLFQP

ClinVar aggregate classification (germline): Likely pathogenic. Review status: criteria provided, multiple submitters, no conflicts (2 of 4 stars). 7 submissions from 7 submitters: Likely pathogenic (7). Last evaluated 2026-08-20.

Conditions:
ACTA2-related disorder. Also called: ACTA2-related condition; ACTA2-related disorders.
Moyamoya disease 5 (MYMY5). Identifiers: Orphanet 2573, MedGen C3279690, MONDO:0013542, OMIM 614042.
Aortic aneurysm, familial thoracic 6 (AAT6). Also called: FAMILIAL THORACIC AORTIC ANEURYSM WITH LIVEDO RETICULARIS AND IRIS FLOCCULI. Identifiers: MedGen C2673186, MONDO:0012730, OMIM 611788.
Multisystemic smooth muscle dysfunction syndrome (SMDYS). Also called: SMOOTH MUSCLE DYSFUNCTION SYNDROME; MYDRIASIS, CONGENITAL, WITH PATENT DUCTUS ARTERIOSUS, THORACIC AORTIC ANEURYSM, AND VASCULOPATHY. Identifiers: Orphanet 404463, MedGen C3151201, MONDO:0013452, OMIM 613834.
Familial thoracic aortic aneurysm and aortic dissection (TAAD). Also called: Thoracic aortic aneurysms and dissections. Identifiers: Orphanet 91387, MedGen C4707243, MONDO:0019625.

Allele frequency attached by ClinVar (database versions not stated): gnomAD exomes below 0.00001.
gnomAD v4.1: 3 of 1,614,014 alleles (0.00019%); highest among the groups gnomAD compares: Non-Finnish European, 0.00025%; no homozygotes.

Submissions (7):

GeneDx
Classification: Likely pathogenic. Last evaluated: 2026-08-20. Review status: criteria provided, single submitter. Criteria: GeneDx Variant Classification Process June 2021. Collection method: clinical testing. Allele origin: germline.
Comment: Not observed at significant frequency in large population cohorts (gnomAD); In silico analysis supports that this missense variant has a deleterious effect on protein structure/function; This variant is associated with the following publications: (PMID: 41582817)

Labcorp Genetics (formerly Invitae), Labcorp
Classification: Likely pathogenic for Aortic aneurysm, familial thoracic 6. Last evaluated: 2025-12-23. Review status: criteria provided, single submitter. Criteria: Invitae Variant Classification Sherloc (09022015). Collection method: clinical testing. Allele origin: germline.
Comment: This sequence change replaces arginine, which is basic and polar, with cysteine, which is neutral and slightly polar, at codon 256 of the ACTA2 protein (p.Arg256Cys). This variant is not present in population databases (gnomAD no frequency). This missense change has been observed in individuals with aortic aneurysm and/or aortic dissection (internal data). ClinVar contains an entry for this variant (Variation ID: 263578). Invitae Evidence Modeling of protein sequence and biophysical properties (such as structural, functional, and spatial information, amino acid conservation, physicochemical variation, residue mobility, and thermodynamic stability) indicates that this missense variant is not expected to disrupt ACTA2 protein function with a negative predictive value of 80%. This variant disrupts the p.Arg256 amino acid residue in ACTA2. Other variant(s) that disrupt this residue have been determined to be pathogenic (PMID: 29543232; internal data). This suggests that this residue is clinically significant, and that variants that disrupt this residue are likely to be disease-causing. In summary, the currently available evidence indicates that the variant is pathogenic, but additional data are needed to prove that conclusively. Therefore, this variant has been classified as Likely Pathogenic.

Ambry Genetics
Classification: Likely pathogenic for Familial thoracic aortic aneurysm and aortic dissection. Last evaluated: 2025-10-30. Review status: criteria provided, single submitter. Criteria: Ambry Variant Classification Scheme 2023. Collection method: clinical testing. Allele origin: germline.
Comment: The p.R256C variant (also known as c.766C>T), located in coding exon 6 of the ACTA2 gene, results from a C to T substitution at nucleotide position 766. The arginine at codon 256 is replaced by cysteine, an amino acid with highly dissimilar properties. Based on internal structural analysis, this alteration is deleterious to the local structure (Ambry internal data). Additionally, This variant was reported in individual(s) with features consistent with thoracic aortic aneurysm and dissection (TAAD) (Ambry internal data; external communication). This variant is considered to be rare based on population cohorts in the Genome Aggregation Database (gnomAD). This amino acid position is highly conserved in available vertebrate species. In addition, this alteration is predicted to be deleterious by in silico analysis. Based on the majority of available evidence to date, this variant is likely to be pathogenic.

Dasa
Classification: Likely pathogenic for Aortic aneurysm, familial thoracic 6. Last evaluated: 2025-09-26. Review status: criteria provided, single submitter. Criteria: DASA Assertion Criteria. Collection method: clinical testing. Allele origin: germline.
Comment: NM_001613.4(ACTA2):c.766C>T (p.Arg256Cys) is a missense variant that results in the substitution of arginine with cysteine. The affected residue or protein region has prior evidence supporting clinical relevance. This variant has been reported in individuals with ACTA2-related disorders (PMID: 29543232). Also, this variant is rare in population databases. Computational evidence supports a deleterious effect. Based on the currently available evidence, this variant is classified as likely pathogenic.

Color Diagnostics, LLC DBA Color Health
Classification: Likely pathogenic for Familial thoracic aortic aneurysm and aortic dissection. Last evaluated: 2025-07-22. Review status: criteria provided, single submitter. Criteria: ACMG Guidelines, 2015. Collection method: clinical testing. Allele origin: germline.
Comment: This missense variant replaces arginine with cysteine at codon 256 of the ACTA2 protein. This variant is found within a highly conserved region adjacent to the polymerization and filament interaction domain. Computational prediction suggests that this variant may have a deleterious impact on protein structure and function. A functional study has shown that this variant causes a partial reduction in protein expression and abnormal cytoskeletal and mitochondrial morphology (PMID: 38486025). This variant has been reported in individuals affected with thoracic aortic aneurysm and dissection and observed to segregate with disease in a family (ClinVar variation ID: 263578). This variant has not been identified in the general population by the Genome Aggregation Database (gnomAD). A different variant affecting the same codon, p.Arg256His, is considered to be disease-causing (ClinVar variation ID: 264363), suggesting that arginine at this position is important for ACTA2 protein function. Based on the available evidence, this variant is classified as Likely Pathogenic.

Fulgent Genetics
Classification: Likely pathogenic for Aortic aneurysm, familial thoracic 6; Multisystemic smooth muscle dysfunction syndrome; Moyamoya disease 5. Last evaluated: 2023-12-29. Review status: criteria provided, single submitter. Criteria: ACMG Guidelines, 2015. Collection method: clinical testing. Allele origin: germline.

Blueprint Genetics
Classification: Likely pathogenic for ACTA2-related disorders. Last evaluated: 2023-03-02. Review status: criteria provided, single submitter. Criteria: ACMG Guidelines, 2015. Collection method: clinical testing. Allele origin: germline. Affected: yes. Observed: 1 variant allele.

Literature cited by the submitters: PubMed 29543232 (cited by Labcorp Genetics (formerly Invitae), Labcorp and Dasa); PubMed 38486025 (cited by Color Diagnostics, LLC DBA Color Health).